The following is an entry in ClinVar:

ClinVar aggregate classification (germline): Pathogenic (1 of 4 stars; one submission).

Conditions:
Cardiovascular phenotype. Identifiers: MedGen CN230736.

Submission:

Ambry Genetics
Classification: Pathogenic for Cardiovascular phenotype. Last evaluated: 2026-04-28. Review status: criteria provided, single submitter. Criteria: Ambry Variant Classification Scheme 2023. Collection method: clinical testing. Allele origin: germline.
Comment: The c.86dupG pathogenic mutation, located in coding exon 2 of the ACVRL1 gene, results from a duplication of G at nucleotide position 86, causing a translational frameshift with a predicted alternate stop codon (p.L31Afs*7). This variant was reported in individual(s) with features consistent with hereditary hemorrhagic telangiectasia (Ambry internal data). This variant is considered to be rare based on population cohorts in the Genome Aggregation Database (gnomAD). This alteration is expected to result in loss of function by premature protein truncation or nonsense-mediated mRNA decay. As such, this alteration is interpreted as a disease-causing mutation.

NM_000020.3(ACVRL1):c.86dup (p.Leu31fs)

Gene: ACVRL1 (activin A receptor like type 1; plus strand). Cytogenetic location: 12q13.13.
Variant type: Duplication.
Coding change: c.86dup on transcript NM_000020.3 (MANE Select); coding-DNA position 86, one base duplicated (G; older notation c.86dupG).
Protein change: p.Leu31fs; shifts the reading frame from leucine 31.
Molecular consequence: frameshift variant. On other transcripts: intron variant (1).
Genome position (GRCh38, 1-based): chr12:51,913,123, G duplicated; the last of 4 consecutive G bases (chr12:51,913,120-51,913,123); duplicating any one gives the same sequence. VCF-style (leftmost placement, unchanged base first): chr12-51913119-C-CG. GRCh37 (hg19) VCF-style: chr12-52306903-C-CG.
Other names: c.86dup, p.Leu31fs (NM_001406488.1, NM_001406489.1, NM_001406490.1 and 6 more transcripts); c.61+588dup (NM_001406495.1); c.86dupG (NM_000020.2); short protein forms L31fs.
Identifiers: ClinVar variation 4867557 (VCV004867557.1).
Genomic context (GRCh38, chr12:51,913,119, plus strand): 5'-GCTGGGACCACAGTGGCTGAGCTTCCGGTGTGTCTTCCAGGAGACCCTGTGAAGCCGTCT[C>CG]GGGGCCCGCTGGTGACCTGCACGTGTGAGAGCCCACATTGCAAGGGGCCTACCTGCCGGG-3'